The following is an entry in ClinVar:

ClinVar aggregate classification (germline): Uncertain significance (1 of 4 stars; one submission).

Conditions:
Joubert syndrome. Also called: CEREBELLOPARENCHYMAL DISORDER IV; JOUBERT-BOLTSHAUSER SYNDROME; Familial aplasia of the vermis. Identifiers: Orphanet 475, MedGen C5979921, MONDO:0018772.

Submission:

Labcorp Genetics (formerly Invitae), Labcorp
Classification: Uncertain significance for Joubert syndrome. Last evaluated: 2022-07-21. Review status: criteria provided, single submitter. Criteria: Invitae Variant Classification Sherloc (09022015). Collection method: clinical testing. Allele origin: germline.
Comment: This sequence change replaces aspartic acid, which is acidic and polar, with glutamic acid, which is acidic and polar, at codon 527 of the INPP5E protein (p.Asp527Glu). This variant is not present in population databases (gnomAD no frequency). This variant has not been reported in the literature in individuals affected with INPP5E-related conditions. Advanced modeling of protein sequence and biophysical properties (such as structural, functional, and spatial information, amino acid conservation, physicochemical variation, residue mobility, and thermodynamic stability) performed at Invitae indicates that this missense variant is not expected to disrupt INPP5E protein function. In summary, the available evidence is currently insufficient to determine the role of this variant in disease. Therefore, it has been classified as a Variant of Uncertain Significance.

NM_019892.6(INPP5E):c.1581C>A (p.Asp527Glu)

Gene: INPP5E (inositol polyphosphate-5-phosphatase E; minus strand). Cytogenetic location: 9q34.3.
Variant type: single nucleotide variant.
Coding change: c.1581C>A on transcript NM_019892.6 (MANE Select); coding-DNA position 1581, C replaced by A.
Protein change: p.Asp527Glu; replaces aspartic acid 527 with glutamic acid.
Molecular consequence: missense variant.
Genome position (GRCh38, 1-based): chr9:136,431,086, G>T on the plus strand (C>A on the coding strand, the complement: INPP5E is on the minus strand). VCF-style: chr9-136431086-G-T. GRCh37 (hg19) VCF-style: chr9-139325538-G-T.
Other names: c.1578C>A, p.Asp526Glu (NM_001318502.2); short protein forms D526E, D527E.
Identifiers: ClinVar variation 1721915 (VCV001721915.3), dbSNP rs2538872376, ClinGen allele CA375561789.
Genomic context (GRCh38, chr9:136,431,086, plus strand): 5'-GGAGGTGCTGTCGTACGTGTCCTTCCCGATGTCAAACTTGTATGATGGGAGGAAGTGGAT[G>T]TCCGGCTCCTGGAAGCCCTTGAAGATGGACCCTGCCACAGGATGGGCACTCGGACTGGCT-3'
Protein context (NP_063945.2, residues 517-537): GSIFKGFQEP[Asp527Glu]IHFLPSYKFD